The following is an entry in ClinVar:

ClinVar aggregate classification (germline): Uncertain significance (1 of 4 stars; one submission).

Allele frequency attached by ClinVar (database versions not stated): ExAC 0.00001; gnomAD 0.00001.
gnomAD v4.1: 2 of 1,575,734 alleles (0.00013%); highest among the groups gnomAD compares: East Asian, 0.0023%; no homozygotes.

Submission:

Labcorp Genetics (formerly Invitae), Labcorp
Classification: Uncertain significance. Last evaluated: 2022-06-08. Review status: criteria provided, single submitter. Criteria: Invitae Variant Classification Sherloc (09022015). Collection method: clinical testing. Allele origin: germline.
Comment: In summary, the available evidence is currently insufficient to determine the role of this variant in disease. Therefore, it has been classified as a Variant of Uncertain Significance. Algorithms developed to predict the effect of missense changes on protein structure and function (SIFT, PolyPhen-2, Align-GVGD) all suggest that this variant is likely to be tolerated. This variant has not been reported in the literature in individuals affected with DSCAML1-related conditions. This variant is not present in population databases (gnomAD no frequency). This sequence change replaces valine, which is neutral and non-polar, with alanine, which is neutral and non-polar, at codon 1789 of the DSCAML1 protein (p.Val1789Ala).

NM_020693.4(DSCAML1):c.5186T>C (p.Val1729Ala)

Gene: DSCAML1 (DS cell adhesion molecule like 1; minus strand). Cytogenetic location: 11q23.3.
Variant type: single nucleotide variant.
Coding change: c.5186T>C on transcript NM_020693.4 (MANE Select); coding-DNA position 5186, T replaced by C.
Protein change: p.Val1729Ala; replaces valine 1729 with alanine.
Molecular consequence: missense variant.
Genome position (GRCh38, 1-based): chr11:117,431,722, A>G on the plus strand (T>C on the coding strand, the complement: DSCAML1 is on the minus strand). VCF-style: chr11-117431722-A-G. GRCh37 (hg19) VCF-style: chr11-117302438-A-G.
Other names: short protein forms V1729A.
Identifiers: ClinVar variation 1959516 (VCV001959516.5), dbSNP rs762641370, ClinGen allele CA6296130.
Genomic context (GRCh38, chr11:117,431,722, plus strand): 5'-GTCCACTGGCTTGAGTACCGGTTCCGGGTGCTGTGGGCTGACTTCACATTCTTCCTGGAC[A>G]CTGGATCTGCACAGACAGAAGCAAGAAATTGCATCCTCCAACCAAAGGCACCCAGGCTTG-3'
Protein context (NP_065744.3, residues 1719-1739): MSDIRPGTNP[Val1729Ala]SRKNVKSAHS